The following is an entry in ClinVar:

ClinVar aggregate classification (germline): Uncertain significance (1 of 4 stars; one submission).

Conditions:
TTN-related disorder. Also called: TTN-related disorders; TTN-related condition; TTN-related disease.

gnomAD v4.1: 10 of 1,612,476 alleles (0.00062%); highest among the groups gnomAD compares: Non-Finnish European, 0.00076%; no homozygotes.

Submission:

PreventionGenetics, part of Exact Sciences
Classification: Uncertain significance for TTN-related condition. Last evaluated: 2025-11-04. Review status: criteria provided, single submitter. Criteria: ACMG Guidelines, 2015. Collection method: clinical testing. Allele origin: germline.
Comment: The TTN c.47359G>A variant is predicted to result in the amino acid substitution p.Gly15787Ser. To our knowledge, this variant has not been reported in the literature or in a large population database (gnomAD), indicating this variant is rare. At this time, the clinical significance of this variant is uncertain due to the absence of conclusive functional and genetic evidence.

NM_001267550.2(TTN):c.47359G>A (p.Gly15787Ser)

Genes: TTN (titin; minus strand), TTN-AS1 (TTN antisense RNA 1; plus strand). Cytogenetic location: 2q31.2.
Variant type: single nucleotide variant.
Coding change: c.47359G>A on transcript NM_001267550.2 (MANE Select); coding-DNA position 47359, G replaced by A.
Protein change: p.Gly15787Ser; replaces glycine 15787 with serine.
Molecular consequence: missense variant.
Genome position (GRCh38, 1-based): chr2:178,617,992, C>T on the plus strand (G>A on the coding strand, the complement: TTN is on the minus strand). VCF-style: chr2-178617992-C-T. GRCh37 (hg19) VCF-style: chr2-179482719-C-T.
Other names: c.42436G>A, p.Gly14146Ser (NM_001256850.1); c.20164G>A, p.Gly6722Ser (NM_003319.4); c.39655G>A, p.Gly13219Ser (NM_133378.4); c.20539G>A, p.Gly6847Ser (NM_133432.3); c.20740G>A, p.Gly6914Ser (NM_133437.4); short protein forms G13219S, G6914S, G14146S, G15787S, G6847S, G6722S.
Identifiers: ClinVar variation 4983906 (VCV004983906.1).